The following is an entry in ClinVar:

ClinVar aggregate classification (germline): Uncertain significance (1 of 4 stars; one submission).

gnomAD v4.1: 7 of 1,202,033 alleles (0.00058%); highest among the groups gnomAD compares: Non-Finnish European, 0.00079%; no homozygotes.

Submission:

Labcorp Genetics (formerly Invitae), Labcorp
Classification: Uncertain significance. Last evaluated: 2025-03-11. Review status: criteria provided, single submitter. Criteria: Invitae Variant Classification Sherloc (09022015). Collection method: clinical testing. Allele origin: germline.
Comment: This sequence change replaces isoleucine, which is neutral and non-polar, with threonine, which is neutral and polar, at codon 731 of the STAG2 protein (p.Ile731Thr). This variant is present in population databases (rs774873046, gnomAD 0.003%). This variant has not been reported in the literature in individuals affected with STAG2-related conditions. Invitae Evidence Modeling of protein sequence and biophysical properties (such as structural, functional, and spatial information, amino acid conservation, physicochemical variation, residue mobility, and thermodynamic stability) indicates that this missense variant is not expected to disrupt STAG2 protein function with a negative predictive value of 80%. In summary, the available evidence is currently insufficient to determine the role of this variant in disease. Therefore, it has been classified as a Variant of Uncertain Significance.

NM_001042750.2(STAG2):c.2192T>C (p.Ile731Thr)

Gene: STAG2 (STAG2 cohesin complex component; plus strand). Cytogenetic location: Xq25.
Variant type: single nucleotide variant.
Coding change: c.2192T>C on transcript NM_001042750.2 (MANE Select); coding-DNA position 2192, T replaced by C.
Protein change: p.Ile731Thr; replaces isoleucine 731 with threonine.
Molecular consequence: missense variant.
Genome position (GRCh38, 1-based): chrX:124,066,363, T>C. VCF-style: chrX-124066363-T-C. GRCh37 (hg19) VCF-style: chrX-123200213-T-C.
Other names: c.2192T>C, p.Ile731Thr (NM_001042749.2, NM_001042751.2, NM_001282418.2 and 13 more transcripts); short protein forms I731T.
Identifiers: ClinVar variation 3711737 (VCV003711737.2).